The following is an entry in ClinVar:

NM_005097.4(LGI1):c.808_809del (p.Lys270fs)

Gene: LGI1 (leucine rich glioma inactivated 1; plus strand). Cytogenetic location: 10q23.33.
Variant type: Deletion.
Coding change: c.808_809del on transcript NM_005097.4 (MANE Select); coding-DNA positions 808 to 809, 2 bases deleted (AA; older notation c.808_809delAA).
Protein change: p.Lys270fs; shifts the reading frame from lysine 270.
Molecular consequence: frameshift variant. On other transcripts: non-coding transcript variant (1).
Genome position (GRCh38, 1-based): chr10:93,793,320-93,793,321, AA deleted; deleting any 2 consecutive bases within chr10:93,793,318-93,793,321 gives the same sequence; the c. name uses the placement nearest the transcript's 3' end. VCF-style (leftmost placement, unchanged base first): chr10-93793317-GAA-G. GRCh37 (hg19) VCF-style: chr10-95553074-GAA-G.
Other names: c.808_809del, p.Lys270fs (NM_001308275.2); c.664_665del, p.Lys222fs (NM_001308276.2); short protein forms K222fs, K270fs.
Identifiers: ClinVar variation 4733798 (VCV004733798.1).

ClinVar aggregate classification (germline): Pathogenic (1 of 4 stars; one submission).

Conditions:
Autosomal dominant epilepsy with auditory features. Identifiers: Orphanet 101046, MedGen C1838062, MONDO:0010898.

Submission:

Labcorp Genetics (formerly Invitae), Labcorp
Classification: Pathogenic for Autosomal dominant epilepsy with auditory features. Last evaluated: 2025-12-21. Review status: criteria provided, single submitter. Criteria: Invitae Variant Classification Sherloc (09022015). Collection method: clinical testing. Allele origin: germline.
Comment: This sequence change creates a premature translational stop signal (p.Lys270Aspfs*6) in the LGI1 gene. While this is not anticipated to result in nonsense mediated decay, it is expected to disrupt the last 288 amino acid(s) of the LGI1 protein. This variant is not present in population databases (gnomAD no frequency). This variant has not been reported in the literature in individuals affected with LGI1-related conditions. This variant disrupts a region of the LGI1 protein in which other variant(s) (p.Asn534*) have been determined to be pathogenic (Internal data). This suggests that this is a clinically significant region of the protein, and that variants that disrupt it are likely to be disease-causing. For these reasons, this variant has been classified as Pathogenic.